The following is an entry in ClinVar:

NM_001040142.2(SCN2A):c.5097C>G (p.Thr1699=)

Gene: SCN2A (sodium voltage-gated channel alpha subunit 2; plus strand). Cytogenetic location: 2q24.3.
Variant type: single nucleotide variant.
Coding change: c.5097C>G on transcript NM_001040142.2 (MANE Select); coding-DNA position 5097, C replaced by G.
Protein change: p.Thr1699=; no amino-acid change (threonine 1699 retained).
Molecular consequence: synonymous variant.
Genome position (GRCh38, 1-based): chr2:165,388,903, C>G. VCF-style: chr2-165388903-C-G. GRCh37 (hg19) VCF-style: chr2-166245413-C-G.
Other names: c.5097C>G (NM_021007.2); c.5097C>G, p.Thr1699= (NM_001040143.2, NM_001371246.1, NM_001371247.1 and 1 more transcripts).
Identifiers: ClinVar variation 1108100 (VCV001108100.14), dbSNP rs950010627, ClinGen allele CA59752465.
Genomic context (GRCh38, chr2:165,388,903, plus strand): 5'-GTCCAATTTTGCCTATGTTAAGAGGGAAGTTGGGATCGATGACATGTTCAACTTTGAGAC[C>G]TTTGGCAACAGCATGATCTGCCTGTTCCAAATTACAACCTCTGCTGGCTGGGATGGATTG-3'
Protein context (NP_001035232.1, residues 1689-1709): VGIDDMFNFE[Thr1699=]FGNSMICLFQ

ClinVar aggregate classification (germline): Likely benign. Review status: criteria provided, multiple submitters, no conflicts (2 of 4 stars). 2 submissions from 2 submitters: Likely benign (2). Last evaluated 2025-07-18.

Conditions:
Seizures, benign familial infantile, 3 (BFIS3). Also called: CONVULSIONS, BENIGN FAMILIAL INFANTILE, 3; Familial neonatal seizures. Identifiers: Orphanet 140927, Orphanet 306, MedGen C1843140, MONDO:0011904, OMIM 607745.
Developmental and epileptic encephalopathy, 11 (DEE11). Also called: Early infantile epileptic encephalopathy 11. Identifiers: Orphanet 1934, MedGen C3150987, MONDO:0013388, OMIM 613721.

Allele frequency attached by ClinVar (database versions not stated): gnomAD exomes below 0.00001 and 0.00001; TOPMed 0.00002; gnomAD 0.00003 and 0.00004.
gnomAD v4.1: 9 of 1,613,884 alleles (0.00056%); highest among the groups gnomAD compares: African/African-American, 0.0093%; no homozygotes.

Submissions (2):

Labcorp Genetics (formerly Invitae), Labcorp
Classification: Likely benign for Seizures, benign familial infantile, 3; Developmental and epileptic encephalopathy, 11. Last evaluated: 2025-07-18. Review status: criteria provided, single submitter. Criteria: Invitae Variant Classification Sherloc (09022015). Collection method: clinical testing. Allele origin: germline.

Women's Health and Genetics/Laboratory Corporation of America, LabCorp
Classification: Likely benign. Last evaluated: 2023-07-06. Review status: criteria provided, single submitter. Criteria: LabCorp Variant Classification Summary - May 2015. Collection method: clinical testing. Allele origin: germline.
Comment: Variant summary: SCN2A c.5097C>G alters a non-conserved nucleotide resulting in a synonymous change. 4/4 computational tools predict no significant impact on normal splicing. However, these predictions have yet to be confirmed by functional studies. The variant allele was found at a frequency of 8e-06 in 251270 control chromosomes (gnomAD). The available data on variant occurrences in the general population are insufficient to allow any conclusion about variant significance. To our knowledge, no occurrence of c.5097C>G in individuals affected with Early Infantile Epileptic Encephalopathy 11 and no experimental evidence demonstrating its impact on protein function have been reported. One ClinVar submitter has assessed the variant since 2014, and classified the variant as likely benign. Based on the evidence outlined above, the variant was classified as likely benign.